The following is an entry in ClinVar:

NM_144508.5(KNL1):c.4615G>A (p.Ala1539Thr)

Gene: KNL1 (kinetochore scaffold 1; plus strand). Cytogenetic location: 15q15.1.
Variant type: single nucleotide variant.
Coding change: c.4615G>A on transcript NM_144508.5 (MANE Select); coding-DNA position 4615, G replaced by A.
Protein change: p.Ala1539Thr; replaces alanine 1539 with threonine.
Molecular consequence: missense variant.
Genome position (GRCh38, 1-based): chr15:40,624,879, G>A. VCF-style: chr15-40624879-G-A. GRCh37 (hg19) VCF-style: chr15-40917077-G-A.
Other names: c.4693G>A, p.Ala1565Thr (NM_170589.5); short protein forms A1565T, A1539T.
Identifiers: ClinVar variation 434583 (VCV000434583.8), dbSNP rs199770734, ClinGen allele CA7483209.

ClinVar aggregate classification (germline): Uncertain significance. Review status: criteria provided, multiple submitters, no conflicts (2 of 4 stars). 2 submissions from 2 submitters: Uncertain significance (2). Last evaluated 2022-03-30.

Allele frequency attached by ClinVar (database versions not stated): ExAC 0.00012; ESP Exome Variant Server 0.00050; TOPMed 0.00053; 1000 Genomes Project 30x 0.00062; gnomAD 0.00064; 1000 Genomes Project 0.00080.
gnomAD v4.1: 186 of 1,612,558 alleles (0.012%); highest among the groups gnomAD compares: African/African-American, 0.23%; no homozygotes.

Submissions (2):

GeneDx
Classification: Uncertain significance. Last evaluated: 2022-03-30. Review status: criteria provided, single submitter. Criteria: GeneDx Variant Classification Process June 2021. Collection method: clinical testing. Allele origin: germline. Affected: yes.
Comment: In silico analysis supports that this missense variant does not alter protein structure/function; Has not been previously published as pathogenic or benign to our knowledge

Genetic Services Laboratory, University of Chicago
Classification: Uncertain significance. Last evaluated: 2016-06-10. Review status: criteria provided, single submitter. Criteria: ACMG Guidelines, 2015. Collection method: clinical testing. Allele origin: germline. Affected: no.